The following is an entry in ClinVar:

NM_001130438.3(SPTAN1):c.3893G>A (p.Arg1298His)

Gene: SPTAN1 (spectrin alpha, non-erythrocytic 1; plus strand). Cytogenetic location: 9q34.11.
Variant type: single nucleotide variant.
Coding change: c.3893G>A on transcript NM_001130438.3 (MANE Select); coding-DNA position 3893, G replaced by A.
Protein change: p.Arg1298His; replaces arginine 1298 with histidine.
Molecular consequence: missense variant.
Genome position (GRCh38, 1-based): chr9:128,605,324, G>A. VCF-style: chr9-128605324-G-A. GRCh37 (hg19) VCF-style: chr9-131367603-G-A.
Other names: c.3893G>A, p.Arg1298His (NM_001375313.1, NM_003127.4, NM_001363759.2 and 2 more transcripts); c.3833G>A, p.Arg1278His (NM_001375314.2, NM_001195532.2, NM_001363765.2); c.3929G>A, p.Arg1310His (NM_001375318.1, NM_001375312.2); short protein forms R1298H, R1310H, R1278H.
Identifiers: ClinVar variation 3731244 (VCV003731244.1).
Genomic context (GRCh38, chr9:128,605,324, plus strand): 5'-CTGCAAGCTCATTCACCACTTTCTTCCCATAGGTAAACTCCCTTGGTGAAACAGCAGAGC[G>A]CCTGATCCAGTCCCATCCCGAGTCAGCAGAAGACCTGCAGGAAAAGTGCACAGAGTTAAA-3'
Protein context (NP_001123910.1, residues 1288-1308): KVNSLGETAE[Arg1298His]LIQSHPESAE

ClinVar aggregate classification (germline): Uncertain significance (1 of 4 stars; one submission).

gnomAD v4.1: 3 of 1,614,132 alleles (0.00019%); highest among the groups gnomAD compares: Non-Finnish European, 0.000085%; no homozygotes.

Submission:

GeneDx
Classification: Uncertain significance. Last evaluated: 2024-08-15. Review status: criteria provided, single submitter. Criteria: GeneDx Variant Classification Process June 2021. Collection method: clinical testing. Allele origin: germline. Affected: yes.
Comment: Not observed at significant frequency in large population cohorts (gnomAD); In silico analysis supports that this missense variant has a deleterious effect on protein structure/function; Has not been previously published as pathogenic or benign to our knowledge